The following is an entry in ClinVar:

ClinVar aggregate classification (germline): Uncertain significance (1 of 4 stars; one submission).

Conditions:
ATP6V1A-related disorder. Also called: ATP6V1A-related condition.

Allele frequency attached by ClinVar (database versions not stated): gnomAD exomes 0.00001; gnomAD 0.00002; TOPMed 0.00002.
gnomAD v4.1: 18 of 1,612,294 alleles (0.0011%); highest among the groups gnomAD compares: African/African-American, 0.0027%; no homozygotes.

Submission:

PreventionGenetics, part of Exact Sciences
Classification: Uncertain significance for ATP6V1A-related condition. Last evaluated: 2023-01-28. Review status: criteria provided, single submitter. Criteria: ACMG Guidelines, 2015. Collection method: clinical testing. Allele origin: germline.
Comment: The ATP6V1A c.866G>A variant is predicted to result in the amino acid substitution p.Arg289Gln. To our knowledge, this variant has not been reported in the literature. This variant is reported in 0.0033% of alleles in individuals of South Asian descent in gnomAD. At this time, the clinical significance of this variant is uncertain due to the absence of conclusive functional and genetic evidence.

NM_001690.4(ATP6V1A):c.866G>A (p.Arg289Gln)

Gene: ATP6V1A (ATPase H+ transporting V1 subunit A; plus strand). Cytogenetic location: 3q13.31.
Variant type: single nucleotide variant.
Coding change: c.866G>A on transcript NM_001690.4 (MANE Select); coding-DNA position 866, G replaced by A.
Protein change: p.Arg289Gln; replaces arginine 289 with glutamine.
Molecular consequence: missense variant.
Genome position (GRCh38, 1-based): chr3:113,788,862, G>A. VCF-style: chr3-113788862-G-A. GRCh37 (hg19) VCF-style: chr3-113507709-G-A.
Other names: short protein forms R289Q.
Identifiers: ClinVar variation 2634420 (VCV002634420.1), dbSNP rs1045094478, ClinGen allele CA81623867.